The following is an entry in ClinVar:

ClinVar aggregate classification (germline): Uncertain significance (1 of 4 stars; one submission).

gnomAD v4.1: 12 of 1,613,922 alleles (0.00074%); highest among the groups gnomAD compares: South Asian, 0.0022%; no homozygotes.

Submission:

Labcorp Genetics (formerly Invitae), Labcorp
Classification: Uncertain significance. Last evaluated: 2025-10-14. Review status: criteria provided, single submitter. Criteria: Invitae Variant Classification Sherloc (09022015). Collection method: clinical testing. Allele origin: germline.
Comment: This sequence change replaces arginine, which is basic and polar, with tryptophan, which is neutral and slightly polar, at codon 550 of the FN1 protein (p.Arg550Trp). This variant is present in population databases (rs765378486, gnomAD 0.003%). This variant has not been reported in the literature in individuals affected with FN1-related conditions. An algorithm developed to predict the effect of missense changes on protein structure and function (PolyPhen-2) suggests that this variant is likely to be disruptive. In summary, the available evidence is currently insufficient to determine the role of this variant in disease. Therefore, it has been classified as a Variant of Uncertain Significance.

NM_212482.4(FN1):c.1648C>T (p.Arg550Trp)

Genes: FN1 (fibronectin 1; minus strand), LOC122861289 (Sharpr-MPRA regulatory region 10603; plus strand). Cytogenetic location: 2q35.
Variant type: single nucleotide variant.
Coding change: c.1648C>T on transcript NM_212482.4 (MANE Select); coding-DNA position 1648, C replaced by T.
Protein change: p.Arg550Trp; replaces arginine 550 with tryptophan.
Molecular consequence: missense variant.
Genome position (GRCh38, 1-based): chr2:215,420,700, G>A on the plus strand (C>T on the coding strand, the complement: FN1 is on the minus strand). VCF-style: chr2-215420700-G-A. GRCh37 (hg19) VCF-style: chr2-216285423-G-A.
Other names: c.1648C>T, p.Arg550Trp (NM_001306129.2, NM_001306130.2, NM_001306131.2 and 14 more transcripts); short protein forms R550W.
Identifiers: ClinVar variation 4779659 (VCV004779659.1).